The following is an entry in ClinVar:

NM_006785.4(MALT1):c.1956A>C (p.Glu652Asp)

Gene: MALT1 (MALT1 paracaspase; plus strand). Cytogenetic location: 18q21.32.
Variant type: single nucleotide variant.
Coding change: c.1956A>C on transcript NM_006785.4 (MANE Select); coding-DNA position 1956, A replaced by C.
Protein change: p.Glu652Asp; replaces glutamic acid 652 with aspartic acid.
Molecular consequence: missense variant.
Genome position (GRCh38, 1-based): chr18:58,745,710, A>C. VCF-style: chr18-58745710-A-C. GRCh37 (hg19) VCF-style: chr18-56412942-A-C.
Other names: c.1923A>C, p.Glu641Asp (NM_173844.3); short protein forms E652D, E641D.
Identifiers: ClinVar variation 3630619 (VCV003630619.2).

ClinVar aggregate classification (germline): Uncertain significance (1 of 4 stars; one submission).

Conditions:
Combined immunodeficiency due to MALT1 deficiency. Also called: Immunodeficiency 12. Identifiers: Orphanet 397964, MedGen C3809583, MONDO:0014197, OMIM 615468.

Submission:

Labcorp Genetics (formerly Invitae), Labcorp
Classification: Uncertain significance for Combined immunodeficiency due to MALT1 deficiency. Last evaluated: 2024-04-22. Review status: criteria provided, single submitter. Criteria: Invitae Variant Classification Sherloc (09022015). Collection method: clinical testing. Allele origin: germline.
Comment: This sequence change replaces glutamic acid, which is acidic and polar, with aspartic acid, which is acidic and polar, at codon 652 of the MALT1 protein (p.Glu652Asp). This variant is not present in population databases (gnomAD no frequency). This variant has not been reported in the literature in individuals affected with MALT1-related conditions. Advanced modeling of protein sequence and biophysical properties (such as structural, functional, and spatial information, amino acid conservation, physicochemical variation, residue mobility, and thermodynamic stability) performed at Invitae indicates that this missense variant is not expected to disrupt MALT1 protein function with a negative predictive value of 80%. In summary, the available evidence is currently insufficient to determine the role of this variant in disease. Therefore, it has been classified as a Variant of Uncertain Significance.